The following is an entry in ClinVar:

ClinVar aggregate classification (germline): Uncertain significance (1 of 4 stars; one submission).

Conditions:
Autosomal recessive limb-girdle muscular dystrophy type 2J (LGMDR10). Also called: Limb-girdle muscular dystrophy, type 2J; MUSCULAR DYSTROPHY, LIMB-GIRDLE, AUTOSOMAL RECESSIVE 10. Identifiers: Orphanet 140922, MedGen C1837342, MONDO:0012127, OMIM 608807.
Dilated cardiomyopathy 1G (CMD1G). Identifiers: Orphanet 154, MedGen C1858763, MONDO:0011400, OMIM 604145.

Submission:

Labcorp Genetics (formerly Invitae), Labcorp
Classification: Uncertain significance for Dilated cardiomyopathy 1G; Autosomal recessive limb-girdle muscular dystrophy type 2J. Last evaluated: 2025-08-25. Review status: criteria provided, single submitter. Criteria: Invitae Variant Classification Sherloc (09022015). Collection method: clinical testing. Allele origin: germline.
Comment: This sequence change replaces threonine, which is neutral and polar, with asparagine, which is neutral and polar, at codon 34920 of the TTN protein (p.Thr34920Asn). This variant is not present in population databases (gnomAD no frequency). This variant has not been reported in the literature in individuals affected with TTN-related conditions. Experimental studies and prediction algorithms are not available or were not evaluated, and the functional significance of this variant is currently unknown. This variant is located in the M band of TTN (PMID: 25589632). Non-truncating variants in this region may be relevant for neuromuscular disorders, but have not been definitively shown to cause cardiomyopathy (PMID: 23975875). In summary, the available evidence is currently insufficient to determine the role of this variant in disease. Therefore, it has been classified as a Variant of Uncertain Significance.

Literature cited by the submitters: PubMed 25589632; PubMed 23975875.

NM_001267550.2(TTN):c.104759C>A (p.Thr34920Asn)

Genes: TTN-AS1 (TTN antisense RNA 1; plus strand), TTN (titin; minus strand). Cytogenetic location: 2q31.2.
Variant type: single nucleotide variant.
Coding change: c.104759C>A on transcript NM_001267550.2 (MANE Select); coding-DNA position 104759, C replaced by A.
Protein change: p.Thr34920Asn; replaces threonine 34920 with asparagine.
Molecular consequence: missense variant.
Genome position (GRCh38, 1-based): chr2:178,531,856, G>T on the plus strand (C>A on the coding strand, the complement: TTN is on the minus strand). VCF-style: chr2-178531856-G-T. GRCh37 (hg19) VCF-style: chr2-179396583-G-T.
Other names: c.99836C>A, p.Thr33279Asn (NM_001256850.1); c.77564C>A, p.Thr25855Asn (NM_003319.4); c.97055C>A, p.Thr32352Asn (NM_133378.4); c.77939C>A, p.Thr25980Asn (NM_133432.3); c.78140C>A, p.Thr26047Asn (NM_133437.4); short protein forms T26047N, T34920N, T25980N, T32352N, T33279N, T25855N.
Identifiers: ClinVar variation 4792837 (VCV004792837.1).